The following is an entry in ClinVar:

ClinVar aggregate classification (germline): Conflicting classifications of pathogenicity. Review status: criteria provided, conflicting classifications (1 of 4 stars). 5 submissions from 5 submitters: Uncertain significance (3); Likely benign (1). 1 of the submissions does not count toward it. Last evaluated 2026-01-12.

Conditions:
Glycine encephalopathy. Also called: Nonketotic hyperglycinemia; Non-ketotic hyperglycinemia. Identifiers: Orphanet 407, MedGen C0751748, MONDO:0011612, HP:0008288.

Allele frequency attached by ClinVar (database versions not stated): ExAC 0.00007; gnomAD exomes 0.00007 and 0.00016; TOPMed 0.00010; gnomAD 0.00011; ESP Exome Variant Server 0.00031; 1000 Genomes Project 0.00040; 1000 Genomes Project 30x 0.00047.
gnomAD v4.1: 254 of 1,610,878 alleles (0.016%); highest among the groups gnomAD compares: Non-Finnish European, 0.02%; 1 homozygote.

Submissions (5):

Labcorp Genetics (formerly Invitae), Labcorp
Classification: Likely benign for Glycine encephalopathy. Last evaluated: 2026-01-12. Review status: criteria provided, single submitter. Criteria: Invitae Variant Classification Sherloc (09022015). Collection method: clinical testing. Allele origin: germline.

GeneDx
Classification: Uncertain significance. Last evaluated: 2024-07-04. Review status: criteria provided, single submitter. Criteria: GeneDx Variant Classification Process June 2021. Collection method: clinical testing. Allele origin: germline. Affected: yes.
Comment: In silico analysis indicates that this missense variant does not alter protein structure/function; Has not been previously published as pathogenic or benign, in association with a GLDC-related disorder, to our knowledge; This variant is associated with the following publications: (PMID: 30365943)

Mayo Clinic Laboratories, Mayo Clinic
Classification: Uncertain significance. Last evaluated: 2022-12-01. Review status: criteria provided, single submitter. Criteria: ACMG Guidelines, 2015. Collection method: clinical testing. Allele origin: germline. Observed: 1 variant allele.
Comment: PM2

Illumina Laboratory Services, Illumina
Classification: Uncertain significance for Glycine encephalopathy 1. Last evaluated: 2018-01-12. Review status: criteria provided, single submitter. Criteria: ICSL Variant Classification Criteria 13 December 2019. Collection method: clinical testing. Allele origin: germline.

Natera, Inc.
Classification: Uncertain significance for Non-ketotic hyperglycinemia. Last evaluated: 2020-03-04. Review status: no assertion criteria provided. Collection method: clinical testing. Allele origin: germline. Not counted in ClinVar's aggregate classification.

NM_000170.3(GLDC):c.2149A>G (p.Ile717Val)

Gene: GLDC (glycine decarboxylase; minus strand). Cytogenetic location: 9p24.1.
Variant type: single nucleotide variant.
Coding change: c.2149A>G on transcript NM_000170.3 (MANE Select); coding-DNA position 2149, A replaced by G.
Protein change: p.Ile717Val; replaces isoleucine 717 with valine.
Molecular consequence: missense variant.
Genome position (GRCh38, 1-based): chr9:6,556,206, T>C on the plus strand (A>G on the coding strand, the complement: GLDC is on the minus strand). VCF-style: chr9-6556206-T-C. GRCh37 (hg19) VCF-style: chr9-6556206-T-C.
Other names: p.Ile717Val; short protein forms I717V.
Identifiers: ClinVar variation 367182 (VCV000367182.17), dbSNP rs117460214, ClinGen allele CA4980372.